The following is an entry in ClinVar:

ClinVar aggregate classification (germline): Likely benign (0 of 4 stars; one submission).

Conditions:
ZSWIM6-related disorder. Also called: ZSWIM6-related condition.

Allele frequency attached by ClinVar (database versions not stated): gnomAD exomes 0.00046; gnomAD 0.00157.

Submission:

PreventionGenetics, part of Exact Sciences
Classification: Likely benign for ZSWIM6-related condition. Last evaluated: 2021-06-15. Review status: no assertion criteria provided. Collection method: clinical testing. Allele origin: germline.
Comment: This variant is classified as likely benign based on ACMG/AMP sequence variant interpretation guidelines (Richards et al. 2015 PMID: 25741868, with internal and published modifications).

NM_020928.2(ZSWIM6):c.495_504del (p.Ala166fs)

Gene: ZSWIM6 (zinc finger SWIM-type containing 6; plus strand). Cytogenetic location: 5q12.1.
Variant type: Deletion.
Coding change: c.495_504del on transcript NM_020928.2 (MANE Select); coding-DNA positions 495 to 504, 10 bases deleted (CGCAACCTCG; older notation c.495_504delCGCAACCTCG).
Protein change: p.Ala166fs; shifts the reading frame from alanine 166.
Molecular consequence: frameshift variant.
Genome position (GRCh38, 1-based): chr5:61,332,767-61,332,776, CGCAACCTCG deleted. VCF-style (leftmost placement, unchanged base first): chr5-61332766-CCGCAACCTCG-C. GRCh37 (hg19) VCF-style: chr5-60628593-CCGCAACCTCG-C.
Other names: short protein forms A166fs.
Identifiers: ClinVar variation 3029455 (VCV003029455.2), dbSNP rs1561194228, ClinGen allele CA560299889.